The following is an entry in ClinVar:

NM_002641.4(PIGA):c.676A>G (p.Ile226Val)

Gene: PIGA (phosphatidylinositol glycan anchor biosynthesis class A; minus strand). Cytogenetic location: Xp22.2.
Variant type: single nucleotide variant.
Coding change: c.676A>G on transcript NM_002641.4 (MANE Select); coding-DNA position 676, A replaced by G.
Protein change: p.Ile226Val; replaces isoleucine 226 with valine.
Molecular consequence: missense variant. On other transcripts: intron variant (1).
Genome position (GRCh38, 1-based): chrX:15,331,255, T>C on the plus strand (A>G on the coding strand, the complement: PIGA is on the minus strand). VCF-style: chrX-15331255-T-C. GRCh37 (hg19) VCF-style: chrX-15349377-T-C.
Other names: c.13+4246A>G (NM_020473.3); short protein forms I226V.
Identifiers: ClinVar variation 852066 (VCV000852066.12), dbSNP rs1922146269, ClinGen allele CA412338637.
Genomic context (GRCh38, chrX:15,331,255, plus strand): 5'-TTATAGCTATCATTTCATTACCTTTTCTGTAAACAAGTCTGCTGACAACAACAATAGTTA[T>C]ACTATCATGCCTTCTAAATGGGTCTGGAGTGAAGTCAGTAGGATCTACAGCATTAGGAAT-3'
Protein context (NP_002632.1, residues 216-236): TPDPFRRHDS[Ile226Val]TIVVVSRLVY

ClinVar aggregate classification (germline): Uncertain significance (1 of 4 stars; one submission).

Conditions:
Multiple congenital anomalies-hypotonia-seizures syndrome 2 (MCAHS2). Also called: EPILEPTIC ENCEPHALOPATHY, EARLY INFANTILE, 20; GLYCOSYLPHOSPHATIDYLINOSITOL BIOSYNTHESIS DEFECT 4. Identifiers: Orphanet 300496, MedGen C3275508, MONDO:0010466, OMIM 300868.

Allele frequency attached by ClinVar (database versions not stated): gnomAD exomes below 0.00001.
gnomAD v4.1: 1 of 1,204,529 alleles (0.000083%); highest among the groups gnomAD compares: South Asian, 0.0018%; no homozygotes.

Submission:

Labcorp Genetics (formerly Invitae), Labcorp
Classification: Uncertain significance for Multiple congenital anomalies-hypotonia-seizures syndrome 2. Last evaluated: 2025-09-08. Review status: criteria provided, single submitter. Criteria: Invitae Variant Classification Sherloc (09022015). Collection method: clinical testing. Allele origin: germline.
Comment: This sequence change replaces isoleucine, which is neutral and non-polar, with valine, which is neutral and non-polar, at codon 226 of the PIGA protein (p.Ile226Val). This variant is not present in population databases (gnomAD no frequency). This variant has not been reported in the literature in individuals affected with PIGA-related conditions. ClinVar contains an entry for this variant (Variation ID: 852066). Invitae Evidence Modeling of protein sequence and biophysical properties (such as structural, functional, and spatial information, amino acid conservation, physicochemical variation, residue mobility, and thermodynamic stability) indicates that this missense variant is not expected to disrupt PIGA protein function with a negative predictive value of 80%. In summary, the available evidence is currently insufficient to determine the role of this variant in disease. Therefore, it has been classified as a Variant of Uncertain Significance.